The following is an entry in ClinVar:

NM_007327.4(GRIN1):c.952G>C (p.Gly318Arg)

Gene: GRIN1 (glutamate ionotropic receptor NMDA type subunit 1; plus strand). Cytogenetic location: 9q34.3.
Variant type: single nucleotide variant.
Coding change: c.952G>C on transcript NM_007327.4 (MANE Select); coding-DNA position 952, G replaced by C.
Protein change: p.Gly318Arg; replaces glycine 318 with arginine.
Molecular consequence: missense variant.
Genome position (GRCh38, 1-based): chr9:137,157,021, G>C. VCF-style: chr9-137157021-G-C. GRCh37 (hg19) VCF-style: chr9-140051473-G-C.
Other names: c.952G>C, p.Gly318Arg (NM_000832.7, NM_021569.4); c.1015G>C, p.Gly339Arg (NM_001185090.2, NM_001185091.2); short protein forms G318R, G339R.
Identifiers: ClinVar variation 2544391 (VCV002544391.5), dbSNP rs1346540046, ClinGen allele CA375715238.

ClinVar aggregate classification (germline): Uncertain significance. Review status: criteria provided, multiple submitters, no conflicts (2 of 4 stars). 2 submissions from 2 submitters: Uncertain significance (2). Last evaluated 2023-05-22.

Conditions:
Inborn genetic diseases. Identifiers: MedGen C0950123, MeSH D030342.
Neurodevelopmental disorder with or without hyperkinetic movements and seizures, autosomal dominant. Also called: Intellectual disability, autosomal dominant 8. Identifiers: MedGen C3280282, MONDO:0013655, OMIM 614254.

Allele frequency attached by ClinVar (database versions not stated): gnomAD exomes below 0.00001; TOPMed below 0.00001; gnomAD 0.00001.
gnomAD v4.1: 3 of 1,611,716 alleles (0.00019%); highest among the groups gnomAD compares: Non-Finnish European, 0.00025%; no homozygotes.

Submissions (2):

Labcorp Genetics (formerly Invitae), Labcorp
Classification: Uncertain significance for Neurodevelopmental disorder with or without hyperkinetic movements and seizures, autosomal dominant. Last evaluated: 2023-05-22. Review status: criteria provided, single submitter. Criteria: Invitae Variant Classification Sherloc (09022015). Collection method: clinical testing. Allele origin: germline.
Comment: This variant has not been reported in the literature in individuals affected with GRIN1-related conditions. This variant is not present in population databases (gnomAD no frequency). This sequence change replaces glycine, which is neutral and non-polar, with arginine, which is basic and polar, at codon 318 of the GRIN1 protein (p.Gly318Arg). Advanced modeling of protein sequence and biophysical properties (such as structural, functional, and spatial information, amino acid conservation, physicochemical variation, residue mobility, and thermodynamic stability) has been performed at Invitae for this missense variant, however the output from this modeling did not meet the statistical confidence thresholds required to predict the impact of this variant on GRIN1 protein function. In summary, the available evidence is currently insufficient to determine the role of this variant in disease. Therefore, it has been classified as a Variant of Uncertain Significance.

Ambry Genetics
Classification: Uncertain significance for Inborn genetic diseases. Last evaluated: 2023-05-05. Review status: criteria provided, single submitter. Criteria: Ambry Variant Classification Scheme 2023. Collection method: clinical testing. Allele origin: germline.